The following is an entry in ClinVar:

ClinVar aggregate classification (germline): Likely benign (1 of 4 stars; one submission).

Allele frequency attached by ClinVar (database versions not stated): gnomAD exomes 0.00005; 1000 Genomes Project 30x 0.00031; 1000 Genomes Project 0.00040; gnomAD 0.00046; TOPMed 0.00047.
gnomAD v4.1: 94 of 652,362 alleles (0.014%); highest among the groups gnomAD compares: African/African-American, 0.16%; no homozygotes.

Submission:

CeGaT Center for Human Genetics Tuebingen
Classification: Likely benign. Last evaluated: 2022-12-01. Review status: criteria provided, single submitter. Criteria: CeGaT Center For Human Genetics Tuebingen Variant Classification Criteria Version 2. Collection method: clinical testing. Allele origin: germline. Affected: yes. Observed: 1 variant allele.
Comment: MEN1: PP2, BS1

NM_001370259.2(MEN1):c.1049+229A>G

Gene: MEN1 (menin 1; minus strand). Cytogenetic location: 11q13.1.
Variant type: single nucleotide variant.
Coding change: c.1049+229A>G on transcript NM_001370259.2 (MANE Select); 229 bases into the intron after coding-DNA position 1049, A replaced by G.
Molecular consequence: intron variant. On other transcripts: missense variant (6).
Genome position (GRCh38, 1-based): chr11:64,806,003, T>C on the plus strand (A>G on the coding strand, the complement: MEN1 is on the minus strand). VCF-style: chr11-64806003-T-C. GRCh37 (hg19) VCF-style: chr11-64573475-T-C.
Other names: c.955A>G, p.Asn319Asp (NM_001407151.1); c.1064+229A>G (NM_130804.3, NM_130803.3, NM_000244.4 and 4 more transcripts); c.944+229A>G (NM_001407148.1, NM_001407149.1, NM_001370263.2 and 1 more transcripts); c.1049+229A>G (NM_130799.3, NM_001370260.2, NM_001407152.1 and 3 more transcripts); c.1060A>G, p.Asn354Asp (NM_001370251.2, NM_001407142.1, NM_001407143.1 and 1 more transcripts); c.1075A>G, p.Asn359Asp (NM_001407150.1); short protein forms N319D, N354D, N359D.
Identifiers: ClinVar variation 2641934 (VCV002641934.24), dbSNP rs555519292, ClinGen allele CA223914249.